The following is an entry in ClinVar:

ClinVar aggregate classification (germline): Uncertain significance (1 of 4 stars; one submission).

Conditions:
Neuroblastoma, susceptibility to, 3. Also called: ALK-Related Neuroblastic Tumor Susceptibility. Identifiers: Orphanet 635, MedGen C2751681, MONDO:0013083, OMIM 613014.

Submission:

Labcorp Genetics (formerly Invitae), Labcorp
Classification: Uncertain significance for Neuroblastoma, susceptibility to, 3. Last evaluated: 2023-08-17. Review status: criteria provided, single submitter. Criteria: Invitae Variant Classification Sherloc (09022015). Collection method: clinical testing. Allele origin: germline.
Comment: This sequence change replaces histidine, which is basic and polar, with leucine, which is neutral and non-polar, at codon 1247 of the ALK protein (p.His1247Leu). In summary, the available evidence is currently insufficient to determine the role of this variant in disease. Therefore, it has been classified as a Variant of Uncertain Significance. An algorithm developed to predict the effect of missense changes on protein structure and function (PolyPhen-2) suggests that this variant is likely to be disruptive. This variant has not been reported in the literature in individuals affected with ALK-related conditions. This variant is not present in population databases (gnomAD no frequency).

NM_004304.5(ALK):c.3740A>T (p.His1247Leu)

Gene: ALK (ALK receptor tyrosine kinase; minus strand). Cytogenetic location: 2p23.2.
Variant type: single nucleotide variant.
Coding change: c.3740A>T on transcript NM_004304.5 (MANE Select); coding-DNA position 3740, A replaced by T.
Protein change: p.His1247Leu; replaces histidine 1247 with leucine.
Molecular consequence: missense variant.
Genome position (GRCh38, 1-based): chr2:29,213,987, T>A on the plus strand (A>T on the coding strand, the complement: ALK is on the minus strand). VCF-style: chr2-29213987-T-A. GRCh37 (hg19) VCF-style: chr2-29436853-T-A.
Other names: c.536A>T, p.His179Leu (NM_001353765.2); short protein forms H1247L, H179L.
Identifiers: ClinVar variation 2753386 (VCV002753386.3), dbSNP rs2465922464, ClinGen allele CA346471093.